The following is an entry in ClinVar:

ClinVar aggregate classification (germline): Conflicting classifications of pathogenicity. Review status: criteria provided, conflicting classifications (1 of 4 stars). 2 submissions from 2 submitters: Uncertain significance (1); Benign (1). Last evaluated 2023-07-13.

Allele frequency attached by ClinVar (database versions not stated): gnomAD 0.00001; ExAC 0.00002; gnomAD exomes 0.00004; 1000 Genomes Project 30x 0.00016; 1000 Genomes Project 0.00020.
gnomAD v4.1: 22 of 1,612,680 alleles (0.0014%); highest among the groups gnomAD compares: East Asian, 0.049%; no homozygotes.

Submissions (2):

GeneDx
Classification: Uncertain significance. Last evaluated: 2023-07-13. Review status: criteria provided, single submitter. Criteria: GeneDx Variant Classification Process June 2021. Collection method: clinical testing. Allele origin: germline. Affected: yes.
Comment: Has not been previously published as pathogenic or benign to our knowledge; In silico analysis supports that this missense variant has a deleterious effect on protein structure/function

Labcorp Genetics (formerly Invitae), Labcorp
Classification: Benign. Last evaluated: 2022-08-26. Review status: criteria provided, single submitter. Criteria: Invitae Variant Classification Sherloc (09022015). Collection method: clinical testing. Allele origin: germline.

NM_001854.4(COL11A1):c.1948C>T (p.Pro650Ser)

Gene: COL11A1 (collagen type XI alpha 1 chain; minus strand). Cytogenetic location: 1p21.1.
Variant type: single nucleotide variant.
Coding change: c.1948C>T on transcript NM_001854.4 (MANE Select); coding-DNA position 1948, C replaced by T.
Protein change: p.Pro650Ser; replaces proline 650 with serine.
Molecular consequence: missense variant. On other transcripts: non-coding transcript variant (1).
Genome position (GRCh38, 1-based): chr1:103,003,265, G>A on the plus strand (C>T on the coding strand, the complement: COL11A1 is on the minus strand). VCF-style: chr1-103003265-G-A. GRCh37 (hg19) VCF-style: chr1-103468821-G-A.
Other names: c.1600C>T, p.Pro534Ser (NM_001168249.1, NM_080630.4); c.1831C>T, p.Pro611Ser (NM_001190709.2); c.1984C>T, p.Pro662Ser (NM_080629.3); c.1948C>T (NM_001854.3); short protein forms P662S, P611S, P650S, P534S.
Identifiers: ClinVar variation 1915310 (VCV001915310.6), dbSNP rs202080663, ClinGen allele CA974722.